The following is an entry in ClinVar:

NM_001393769.1(MED12L):c.4457G>A (p.Arg1486Lys)

Genes: MED12L (mediator complex subunit 12L; plus strand), P2RY12 (purinergic receptor P2Y12; minus strand). Cytogenetic location: 3q25.1.
Variant type: single nucleotide variant.
Coding change: c.4457G>A on transcript NM_001393769.1 (MANE Select); coding-DNA position 4457, G replaced by A.
Protein change: p.Arg1486Lys; replaces arginine 1486 with lysine.
Molecular consequence: missense variant. On other transcripts: intron variant (1).
Genome position (GRCh38, 1-based): chr3:151,378,152, G>A. VCF-style: chr3-151378152-G-A. GRCh37 (hg19) VCF-style: chr3-151095940-G-A.
Other names: c.4352G>A, p.Arg1451Lys (NM_053002.6); c.-180+6540C>T (NM_022788.5); short protein forms R1451K, R1486K.
Identifiers: ClinVar variation 5001833 (VCV005001833.1).
Genomic context (GRCh38, chr3:151,378,152, plus strand): 5'-AAGCCGCTGGGGAAGAGCTGGAGAAGGGACAGCACTTGGGTTCTTCTTCCAAAAAGGAAA[G>A]GGACAGACAGAAACAGAAAAGGTGTGGCTGGAAGATGGGCGTCTGTGTGAGAGTTTAAAG-3'
Protein context (NP_001380698.1, residues 1476-1496): QHLGSSSKKE[Arg1486Lys]DRQKQKSMSL

ClinVar aggregate classification (germline): Uncertain significance (1 of 4 stars; one submission).

Conditions:
MED12L-related disorder. Also called: MED12L-related condition.

Submission:

PreventionGenetics, part of Exact Sciences
Classification: Uncertain significance for MED12L-related condition. Last evaluated: 2025-05-21. Review status: criteria provided, single submitter. Criteria: ACMG Guidelines, 2015. Collection method: clinical testing. Allele origin: germline.
Comment: The MED12L c.4352G>A variant is predicted to result in the amino acid substitution p.Arg1451Lys. To our knowledge, this variant has not been reported in the literature or in a large population database (gnomAD), indicating this variant is rare. At this time, the clinical significance of this variant is uncertain due to the absence of conclusive functional and genetic evidence.